The following is an entry in ClinVar:

NM_001283009.2(RTEL1):c.2635del (p.Arg879fs)

Genes: RTEL1 (regulator of telomere elongation helicase 1; plus strand), RTEL1-TNFRSF6B (RTEL1-TNFRSF6B readthrough (NMD candidate); plus strand). Cytogenetic location: 20q13.33.
Variant type: Deletion.
Coding change: c.2635del on transcript NM_001283009.2 (MANE Select); coding-DNA position 2635, one base deleted (C; older notation c.2635delC).
Protein change: p.Arg879fs; shifts the reading frame from arginine 879.
Molecular consequence: frameshift variant. On other transcripts: non-coding transcript variant (1).
Genome position (GRCh38, 1-based): chr20:63,691,820, C deleted; the last of 2 consecutive C bases (chr20:63,691,819-63,691,820); deleting either gives the same sequence. VCF-style (leftmost placement, unchanged base first): chr20-63691818-TC-T. GRCh37 (hg19) VCF-style: chr20-62323171-TC-T.
Other names: c.1966del, p.Arg656fs (NM_001283010.1); c.2635del, p.Arg879fs (NM_016434.4); c.2707del, p.Arg903fs (NM_032957.5); c.2707delC (NM_032957.4); c.2707del (NM_032957.4); short protein forms R656fs, R903fs, R879fs.
Identifiers: ClinVar variation 555380 (VCV000555380.9), dbSNP rs1555812480, ClinGen allele CA658824160.

ClinVar aggregate classification (germline): Pathogenic/Likely pathogenic. Review status: criteria provided, multiple submitters, no conflicts (2 of 4 stars). 3 submissions from 3 submitters: Pathogenic (1); Likely pathogenic (1). 1 of the submissions does not count toward it. Last evaluated 2026-01-15.

Conditions:
Dyskeratosis congenita, autosomal recessive 5 (DKCB5). Identifiers: MedGen C3554656, MONDO:0014076, OMIM 615190.
Pulmonary fibrosis and/or bone marrow failure, Telomere-related, 3. Also called: PULMONARY FIBROSIS AND/OR BONE MARROW FAILURE SYNDROME, TELOMERE-RELATED, 3. Identifiers: Orphanet 2032, MedGen C4225346, MONDO:0014613, OMIM 616373.
Dyskeratosis congenita. Identifiers: Orphanet 1775, MedGen C0265965, MONDO:0015780.

Submissions (3):

Natera, Inc.
Classification: Likely pathogenic for Dyskeratosis congenita. Last evaluated: 2026-01-15. Review status: criteria provided, single submitter. Criteria: Natera Variant Classification Schema (03/2026). Collection method: clinical testing. Allele origin: germline.
Comment: The c.2707del variant in RTEL1 is a frameshift variant predicted to shift the reading frame beginning at codon 903 and leads to a stop codon 25 codons downstream. This variant is expected to result in nonsense mediated decay, truncation, or a dysfunctional protein product. This variant is rare in the general population with a frequency below the threshold expected for the associated phenotype(s). Given the available evidence, this variant is classified as Likely Pathogenic.

Labcorp Genetics (formerly Invitae), Labcorp
Classification: Pathogenic for Dyskeratosis congenita, autosomal recessive 5; Pulmonary fibrosis and/or bone marrow failure, Telomere-related, 3. Last evaluated: 2022-11-01. Review status: criteria provided, single submitter. Criteria: Invitae Variant Classification Sherloc (09022015). Collection method: clinical testing. Allele origin: germline.
Comment: ClinVar contains an entry for this variant (Variation ID: 555380). For these reasons, this variant has been classified as Pathogenic. This variant has not been reported in the literature in individuals affected with RTEL1-related conditions. This variant is not present in population databases (gnomAD no frequency). This sequence change creates a premature translational stop signal (p.Arg879Glyfs*25) in the RTEL1 gene. It is expected to result in an absent or disrupted protein product. Loss-of-function variants in RTEL1 are known to be pathogenic (PMID: 23453664, 23959892, 25607374).

Counsyl
Classification: Likely pathogenic for Dyskeratosis congenita, autosomal recessive 5. Last evaluated: 2017-12-07. Review status: no assertion criteria provided. Collection method: clinical testing. Allele origin: unknown. Not counted in ClinVar's aggregate classification.

Literature cited by the submitters: PubMed 23453664 (cited by Labcorp Genetics (formerly Invitae), Labcorp); PubMed 23959892 (cited by Labcorp Genetics (formerly Invitae), Labcorp); PubMed 25607374 (cited by Labcorp Genetics (formerly Invitae), Labcorp).